The following is an entry in ClinVar:

NM_000083.3(CLCN1):c.2368T>A (p.Ser790Thr)

Gene: CLCN1 (chloride voltage-gated channel 1; plus strand). Cytogenetic location: 7q34.
Variant type: single nucleotide variant.
Coding change: c.2368T>A on transcript NM_000083.3 (MANE Select); coding-DNA position 2368, T replaced by A.
Protein change: p.Ser790Thr; replaces serine 790 with threonine.
Molecular consequence: missense variant. On other transcripts: non-coding transcript variant (1).
Genome position (GRCh38, 1-based): chr7:143,346,914, T>A. VCF-style: chr7-143346914-T-A. GRCh37 (hg19) VCF-style: chr7-143044007-T-A.
Other names: short protein forms S790T.
Identifiers: ClinVar variation 4003315 (VCV004003315.2).

ClinVar aggregate classification (germline): Uncertain significance. Review status: criteria provided, multiple submitters, no conflicts (2 of 4 stars). 2 submissions from 2 submitters: Uncertain significance (2). Last evaluated 2025-04-28.

Conditions:
Inborn genetic diseases. Identifiers: MedGen C0950123, MeSH D030342.

gnomAD v4.1: 2 of 1,613,744 alleles (0.00012%); highest among the groups gnomAD compares: Non-Finnish European, 0.000085%; no homozygotes.

Submissions (2):

Ambry Genetics
Classification: Uncertain significance for Inborn genetic diseases. Last evaluated: 2025-04-28. Review status: criteria provided, single submitter. Criteria: Ambry Variant Classification Scheme 2023. Collection method: clinical testing. Allele origin: germline.

GeneDx
Classification: Uncertain significance. Last evaluated: 2025-01-21. Review status: criteria provided, single submitter. Criteria: GeneDx Variant Classification Process June 2021. Collection method: clinical testing. Allele origin: germline. Affected: yes.
Comment: Not observed at significant frequency in large population cohorts (gnomAD); In silico analysis indicates that this missense variant does not alter protein structure/function; Has not been previously published as pathogenic or benign to our knowledge